The following is an entry in ClinVar:

ClinVar aggregate classification (germline): Uncertain significance (1 of 4 stars; one submission).

Submission:

Labcorp Genetics (formerly Invitae), Labcorp
Classification: Uncertain significance. Last evaluated: 2025-03-13. Review status: criteria provided, single submitter. Criteria: Invitae Variant Classification Sherloc (09022015). Collection method: clinical testing. Allele origin: germline.
Comment: This sequence change replaces proline, which is neutral and non-polar, with arginine, which is basic and polar, at codon 444 of the SOX10 protein (p.Pro444Arg). This variant is not present in population databases (gnomAD no frequency). This variant has not been reported in the literature in individuals affected with SOX10-related conditions. Invitae Evidence Modeling of protein sequence and biophysical properties (such as structural, functional, and spatial information, amino acid conservation, physicochemical variation, residue mobility, and thermodynamic stability) indicates that this missense variant is not expected to disrupt SOX10 protein function with a negative predictive value of 95%. In summary, the available evidence is currently insufficient to determine the role of this variant in disease. Therefore, it has been classified as a Variant of Uncertain Significance.

NM_006941.4(SOX10):c.1331C>G (p.Pro444Arg)

Genes: POLR2F (RNA polymerase II, I and III subunit F; plus strand), SOX10 (SRY-box transcription factor 10; minus strand). Cytogenetic location: 22q13.1.
Variant type: single nucleotide variant.
Coding change: c.1331C>G on transcript NM_006941.4 (MANE Select); coding-DNA position 1331, C replaced by G.
Protein change: p.Pro444Arg; replaces proline 444 with arginine.
Molecular consequence: missense variant. On other transcripts: intron variant (3).
Genome position (GRCh38, 1-based): chr22:37,973,565, G>C on the plus strand (C>G on the coding strand, the complement: SOX10 is on the minus strand). VCF-style: chr22-37973565-G-C. GRCh37 (hg19) VCF-style: chr22-38369572-G-C.
Other names: c.*38+1255G>C (NM_001363825.1); c.293+6395G>C (NM_001301130.2, NM_001301131.2); short protein forms P444R.
Identifiers: ClinVar variation 4799206 (VCV004799206.1).